The following is an entry in ClinVar:

NM_003119.4(SPG7):c.758+316A>G

Gene: SPG7 (SPG7 matrix AAA peptidase subunit, paraplegin; plus strand). Cytogenetic location: 16q24.3.
Variant type: single nucleotide variant.
Coding change: c.758+316A>G on transcript NM_003119.4 (MANE Select); 316 bases into the intron after coding-DNA position 758, A replaced by G.
Molecular consequence: intron variant.
Genome position (GRCh38, 1-based): chr16:89,526,784, A>G. VCF-style: chr16-89526784-A-G. GRCh37 (hg19) VCF-style: chr16-89593192-A-G.
Other names: c.758+316A>G (NM_001363850.1, NM_199367.3).
Identifiers: ClinVar variation 673261 (VCV000673261.1), dbSNP rs112355651, ClinGen allele CA286539189.

ClinVar aggregate classification (germline): Likely benign (1 of 4 stars; one submission).

Allele frequency attached by ClinVar (database versions not stated): 1000 Genomes Project 0.01038; 1000 Genomes Project 30x 0.01062; gnomAD 0.01130 and 0.01221.
gnomAD v4.1: 1,831 of 351,622 alleles (0.52%); highest among the groups gnomAD compares: African/African-American, 3.8%; 47 homozygotes.

Submission:

GeneDx
Classification: Likely benign. Last evaluated: 2018-06-14. Review status: criteria provided, single submitter. Criteria: GeneDx Variant Classification (06012015). Collection method: clinical testing. Allele origin: germline. Affected: yes.
Comment: This variant is considered likely benign or benign based on one or more of the following criteria: it is a conservative change, it occurs at a poorly conserved position in the protein, it is predicted to be benign by multiple in silico algorithms, and/or has population frequency not consistent with disease.